The following is an entry in ClinVar:

NM_022437.3(ABCG8):c.1285A>G (p.Met429Val)

Gene: ABCG8 (ATP binding cassette subfamily G member 8; plus strand). Cytogenetic location: 2p21.
Variant type: single nucleotide variant.
Coding change: c.1285A>G on transcript NM_022437.3 (MANE Select); coding-DNA position 1285, A replaced by G.
Protein change: p.Met429Val; replaces methionine 429 with valine.
Molecular consequence: missense variant.
Genome position (GRCh38, 1-based): chr2:43,873,860, A>G. VCF-style: chr2-43873860-A-G. GRCh37 (hg19) VCF-style: chr2-44100999-A-G.
Other names: c.1282A>G, p.Met428Val (NM_001357321.2); short protein forms M429V, M428V.
Identifiers: ClinVar variation 499929 (VCV000499929.30), dbSNP rs147194762, ClinGen allele CA1637390.

ClinVar aggregate classification (germline): Conflicting classifications of pathogenicity. Review status: criteria provided, conflicting classifications (1 of 4 stars). 9 submissions from 9 submitters: Uncertain significance (3); Benign (1); Likely benign (4). 1 of the submissions does not count toward it. Last evaluated 2026-03-05.

Conditions:
Cardiovascular phenotype. Identifiers: MedGen CN230736.
Sitosterolemia (STSL). Also called: PHYTOSTEROLEMIA. Identifiers: Orphanet 2882, MedGen C0342907, MONDO:0008863.
ABCG8-related disorder. Also called: ABCG8-related condition.
Sitosterolemia 1. Identifiers: MedGen C2749759, MONDO:0020747, OMIM 210250.

Allele frequency attached by ClinVar (database versions not stated): ESP Exome Variant Server 0.00023; TOPMed 0.00025; ExAC 0.00044; 1000 Genomes Project 30x 0.00141; 1000 Genomes Project 0.00160.
gnomAD v4.1: 677 of 1,614,042 alleles (0.042%); highest among the groups gnomAD compares: East Asian, 1.2%; 7 homozygotes.

Submissions (9):

Department of Cardiology, Mackay Memorial Hospital
Classification: Uncertain significance for Sitosterolemia. Last evaluated: 2026-03-05. Review status: criteria provided, single submitter. Criteria: ACMG Guidelines, 2015. Collection method: clinical testing. Allele origin: germline. Affected: yes.
Comment: The ABCG8 c.1285A>G (p.Met429Val) (Accession: VCV000499929.29) variant is a conservative missense alteration within the transmembrane region of the protein. It is relatively enriched in East Asian populations and has been reported in individuals with sitosterolemia or familial hypercholesterolemia, although a causal association has not been established. In silico tools generally predict a benign effect, and no functional studies have demonstrated impaired ABCG8 function. Given the conflicting clinical and population evidence and the lack of functional validation, the available data are insufficient to determine its pathogenic role, and the variant is classified as a variant of uncertain significance (VUS).

Labcorp Genetics (formerly Invitae), Labcorp
Classification: Likely benign. Last evaluated: 2026-01-26. Review status: criteria provided, single submitter. Criteria: Invitae Variant Classification Sherloc (09022015). Collection method: clinical testing. Allele origin: germline.

Revvity Omics, Revvity
Classification: Uncertain significance for Sitosterolemia 1. Last evaluated: 2025-07-14. Review status: criteria provided, single submitter. Criteria: ACMG Guidelines, 2015. Collection method: clinical testing. Allele origin: germline.

Women's Health and Genetics/Laboratory Corporation of America, LabCorp
Classification: Likely benign. Last evaluated: 2025-04-11. Review status: criteria provided, single submitter. Criteria: LabCorp Variant Classification Summary - May 2015. Collection method: clinical testing. Allele origin: germline.
Comment: Variant summary: ABCG8 c.1285A>G (p.Met429Val) results in a conservative amino acid change located in the ABC-2 type transporter, transmembrane domain (IPR013525) of the encoded protein sequence. Five of five in-silico tools predict a benign effect of the variant on protein function. The variant allele was found at a frequency of 0.00042 in 1614042 control chromosomes, predominantly at a frequency of 0.012 within the East Asian subpopulation in the gnomAD v4 database, including 6 homozygotes. The observed variant frequency within East Asian control individuals in the gnomAD database is approximately 3 fold of the estimated maximal expected allele frequency for a pathogenic variant in ABCG8 causing Sitosterolemia phenotype (0.0038). c.1285A>G has been reported in the literature in East Asian individuals affected with Sitosterolemia or familial hypercholesterolemia without strong evidence of causality (e.g. Pek_2018, Miwa_2005, Tada_2018, Tada_2018b, Tada_2022, Kojima_2020, Nomura_2020). These reports do not provide unequivocal conclusions about association of the variant with Sitosterolemia. To our knowledge, no experimental evidence demonstrating an impact on protein function has been reported. The following publications have been ascertained in the context of this evaluation (PMID: 29353225, 15816807, 30241732, 32275988, 32862661, 32088153, 35248527, 30007774). To our knowledge, no experimental evidence demonstrating an impact on protein function has been reported. ClinVar contains an entry for this variant (Variation ID: 499929). Based on the evidence outlined above, the variant was classified as likely benign.

Ambry Genetics
Classification: Likely benign for Cardiovascular phenotype. Last evaluated: 2024-09-24. Review status: criteria provided, single submitter. Criteria: Ambry Variant Classification Scheme 2023. Collection method: clinical testing. Allele origin: germline.

GeneDx
Classification: Likely benign. Last evaluated: 2019-10-08. Review status: criteria provided, single submitter. Criteria: GeneDx Variant Classification Process June 2021. Collection method: clinical testing. Allele origin: germline. Affected: yes.
Comment: See Variant Classification Assertion Criteria.

Illumina Laboratory Services, Illumina
Classification: Benign for Sitosterolemia 1. Last evaluated: 2017-04-27. Review status: criteria provided, single submitter. Criteria: ICSL Variant Classification Criteria 13 December 2019. Collection method: clinical testing. Allele origin: germline.
Comment: This variant was observed as part of a predisposition screen in an ostensibly healthy population. A literature search was performed for the gene, cDNA change, and amino acid change (where applicable). Publications were found based on this search. The evidence from the literature, in combination with allele frequency data from public databases where available, was sufficient to rule this variant out of causing disease. Therefore, this variant is classified as benign.

Eurofins Ntd Llc (ga)
Classification: Uncertain significance. Last evaluated: 2017-02-27. Review status: criteria provided, single submitter. Criteria: EGL Classification Definitions 2015. Collection method: clinical testing. Allele origin: germline. Observed: 1 variant allele, 1 heterozygote.

PreventionGenetics, part of Exact Sciences
Classification: Likely benign for ABCG8-related condition. Last evaluated: 2023-10-01. Review status: no assertion criteria provided. Collection method: clinical testing. Allele origin: germline. Not counted in ClinVar's aggregate classification.
Comment: This variant is classified as likely benign based on ACMG/AMP sequence variant interpretation guidelines (Richards et al. 2015 PMID: 25741868, with internal and published modifications).

Literature cited by the submitters: PubMed 29353225 (cited by 3 submitters); PubMed 30241732 (cited by 3 submitters); PubMed 32275988 (cited by 3 submitters); PubMed 32862661 (cited by 3 submitters); PubMed 32088153 (cited by Women's Health and Genetics/Laboratory Corporation of America, LabCorp); PubMed 15816807 (cited by Women's Health and Genetics/Laboratory Corporation of America, LabCorp and Illumina Laboratory Services, Illumina); PubMed 35248527 (cited by Women's Health and Genetics/Laboratory Corporation of America, LabCorp); PubMed 30007774 (cited by Women's Health and Genetics/Laboratory Corporation of America, LabCorp).